The following is an entry in ClinVar:

NM_001374353.1(GLI2):c.3512C>T (p.Pro1171Leu)

Gene: GLI2 (GLI family zinc finger 2; plus strand). Cytogenetic location: 2q14.2.
Variant type: single nucleotide variant.
Coding change: c.3512C>T on transcript NM_001374353.1 (MANE Select); coding-DNA position 3512, C replaced by T.
Protein change: p.Pro1171Leu; replaces proline 1171 with leucine.
Molecular consequence: missense variant.
Genome position (GRCh38, 1-based): chr2:120,989,477, C>T. VCF-style: chr2-120989477-C-T. GRCh37 (hg19) VCF-style: chr2-121747053-C-T.
Other names: c.3563C>T, p.Pro1188Leu (NM_001371271.1, NM_005270.5); c.3137C>T, p.Pro1046Leu (NM_001374354.1); short protein forms P1046L, P1171L, P1188L.
Identifiers: ClinVar variation 3748510 (VCV003748510.2).

ClinVar aggregate classification (germline): Uncertain significance (1 of 4 stars; one submission).

Conditions:
Postaxial polydactyly-anterior pituitary anomalies-facial dysmorphism syndrome. Also called: Culler-Jones syndrome. Identifiers: Orphanet 420584, MedGen C4014479, MONDO:0014369, OMIM 615849.
Holoprosencephaly 9 (HPE9). Also called: PITUITARY ANOMALIES WITH HOLOPROSENCEPHALY-LIKE FEATURES; HOLOPROSENCEPHALY WITH MICROPHTHALMIA AND FIRST BRANCHIAL ARCH ANOMALIES. Identifiers: Orphanet 2162, MedGen C1835819, MONDO:0012563, OMIM 610829.

gnomAD v4.1: 43 of 1,612,966 alleles (0.0027%); highest among the groups gnomAD compares: African/African-American, 0.017%; no homozygotes.

Submission:

Labcorp Genetics (formerly Invitae), Labcorp
Classification: Uncertain significance for Postaxial polydactyly-anterior pituitary anomalies-facial dysmorphism syndrome; Holoprosencephaly 9. Last evaluated: 2025-10-21. Review status: criteria provided, single submitter. Criteria: Invitae Variant Classification Sherloc (09022015). Collection method: clinical testing. Allele origin: germline.
Comment: This sequence change replaces proline, which is neutral and non-polar, with leucine, which is neutral and non-polar, at codon 1188 of the GLI2 protein (p.Pro1188Leu). The frequency data for this variant in the population databases is considered unreliable, as metrics indicate poor data quality at this position in the gnomAD database. This variant has not been reported in the literature in individuals affected with GLI2-related conditions. ClinVar contains an entry for this variant (Variation ID: 3748510). Invitae Evidence Modeling of protein sequence and biophysical properties (such as structural, functional, and spatial information, amino acid conservation, physicochemical variation, residue mobility, and thermodynamic stability) indicates that this missense variant is not expected to disrupt GLI2 protein function with a negative predictive value of 80%. In summary, the available evidence is currently insufficient to determine the role of this variant in disease. Therefore, it has been classified as a Variant of Uncertain Significance.